The following is an entry in ClinVar:

ClinVar aggregate classification (germline): Uncertain significance. Review status: criteria provided, multiple submitters, no conflicts (2 of 4 stars). 2 submissions from 2 submitters: Uncertain significance (2). Last evaluated 2022-04-08.

Conditions:
Alagille syndrome due to a NOTCH2 point mutation. Also called: Alagille syndrome 2. Identifiers: Orphanet 261629, Orphanet 52, MedGen C1857761, MONDO:0012439, OMIM 610205.
Hajdu-Cheney syndrome (HJCYS). Also called: ACROOSTEOLYSIS WITH OSTEOPOROSIS AND CHANGES IN SKULL AND MANDIBLE; SERPENTINE FIBULA-POLYCYSTIC KIDNEY SYNDROME; Acroosteolysis dominant type. Identifiers: Orphanet 955, MedGen C0917715, MONDO:0007057, OMIM 102500.

Allele frequency attached by ClinVar (database versions not stated): gnomAD 0.00001; gnomAD exomes 0.00002; TOPMed 0.00002; ExAC 0.00003; 1000 Genomes Project 30x 0.00016; 1000 Genomes Project 0.00020.

Submissions (2):

Labcorp Genetics (formerly Invitae), Labcorp
Classification: Uncertain significance for Hajdu-Cheney syndrome. Last evaluated: 2022-04-08. Review status: criteria provided, single submitter. Criteria: Invitae Variant Classification Sherloc (09022015). Collection method: clinical testing. Allele origin: germline.
Comment: This sequence change replaces arginine, which is basic and polar, with glutamine, which is neutral and polar, at codon 2003 of the NOTCH2 protein (p.Arg2003Gln). This variant is present in population databases (rs142978073, gnomAD 0.01%). This variant has not been reported in the literature in individuals affected with NOTCH2-related conditions. Advanced modeling of protein sequence and biophysical properties (such as structural, functional, and spatial information, amino acid conservation, physicochemical variation, residue mobility, and thermodynamic stability) performed at Invitae indicates that this missense variant is not expected to disrupt NOTCH2 protein function. In summary, the available evidence is currently insufficient to determine the role of this variant in disease. Therefore, it has been classified as a Variant of Uncertain Significance.

Fulgent Genetics
Classification: Uncertain significance for Hajdu-Cheney syndrome; Alagille syndrome due to a NOTCH2 point mutation. Last evaluated: 2022-02-04. Review status: criteria provided, single submitter. Criteria: ACMG Guidelines, 2015. Collection method: clinical testing. Allele origin: unknown.

NM_024408.4(NOTCH2):c.6008G>A (p.Arg2003Gln)

Gene: NOTCH2 (notch receptor 2; minus strand). Cytogenetic location: 1p12.
Variant type: single nucleotide variant.
Coding change: c.6008G>A on transcript NM_024408.4 (MANE Select); coding-DNA position 6008, G replaced by A.
Protein change: p.Arg2003Gln; replaces arginine 2003 with glutamine.
Molecular consequence: missense variant.
Genome position (GRCh38, 1-based): chr1:119,917,684, C>T on the plus strand (G>A on the coding strand, the complement: NOTCH2 is on the minus strand). VCF-style: chr1-119917684-C-T. GRCh37 (hg19) VCF-style: chr1-120460307-C-T.
Other names: short protein forms R2003Q.
Identifiers: ClinVar variation 1372284 (VCV001372284.7), dbSNP rs142978073, ClinGen allele CA1039520.